The following is an entry in ClinVar:

NM_022489.4(INF2):c.1888-9del

Gene: INF2 (inverted formin 2; plus strand). Cytogenetic location: 14q32.33.
Variant type: Deletion.
Coding change: c.1888-9del on transcript NM_022489.4 (MANE Select); 9 bases into the intron before coding-DNA position 1888, one base deleted (G; older notation c.1888-9delG).
Molecular consequence: intron variant.
Genome position (GRCh38, 1-based): chr14:104,708,662, G deleted; the last of 6 consecutive G bases (chr14:104,708,657-104,708,662); deleting any one gives the same sequence. VCF-style (leftmost placement, unchanged base first): chr14-104708656-TG-T. GRCh37 (hg19) VCF-style: chr14-105174993-TG-T.
Other names: c.1888-9del (NM_001426863.1, NM_001426865.1, NM_001426864.1 and 2 more transcripts).
Identifiers: ClinVar variation 4990464 (VCV004990464.1).

ClinVar aggregate classification (germline): Likely benign (1 of 4 stars; one submission).

Conditions:
INF2-related disorder. Also called: INF2-related condition.

Submission:

PreventionGenetics, part of Exact Sciences
Classification: Likely benign for INF2-related condition. Last evaluated: 2025-03-01. Review status: criteria provided, single submitter. Criteria: ACMG Guidelines, 2015. Collection method: clinical testing. Allele origin: germline.
Comment: This variant is classified as likely benign based on ACMG/AMP sequence variant interpretation guidelines (Richards et al. 2015 PMID: 25741868, with internal and published modifications).